The following is an entry in ClinVar:

ClinVar aggregate classification (germline): Uncertain significance (1 of 4 stars; one submission).

Conditions:
Peroxisome biogenesis disorder. Identifiers: Orphanet 79189, MedGen C1832200, MONDO:0019234. Disease mechanism: loss of function.

Allele frequency attached by ClinVar (database versions not stated): gnomAD exomes below 0.00001 and 0.00001; ExAC 0.00001; gnomAD 0.00001 and 0.00002; TOPMed 0.00003.
gnomAD v4.1: 10 of 1,613,710 alleles (0.00062%); highest among the groups gnomAD compares: African/African-American, 0.0013%; no homozygotes.

Submission:

Labcorp Genetics (formerly Invitae), Labcorp
Classification: Uncertain significance for Peroxisome biogenesis disorder. Last evaluated: 2022-06-27. Review status: criteria provided, single submitter. Criteria: Invitae Variant Classification Sherloc (09022015). Collection method: clinical testing. Allele origin: germline.
Comment: This sequence change replaces arginine, which is basic and polar, with cysteine, which is neutral and slightly polar, at codon 972 of the PEX6 protein (p.Arg972Cys). This variant is present in population databases (rs761395988, gnomAD 0.0009%). This variant has not been reported in the literature in individuals affected with PEX6-related conditions. Algorithms developed to predict the effect of missense changes on protein structure and function (SIFT, PolyPhen-2, Align-GVGD) all suggest that this variant is likely to be tolerated. In summary, the available evidence is currently insufficient to determine the role of this variant in disease. Therefore, it has been classified as a Variant of Uncertain Significance.

NM_000287.4(PEX6):c.2914C>T (p.Arg972Cys)

Gene: PEX6 (peroxisomal biogenesis factor 6; minus strand). Cytogenetic location: 6p21.1.
Variant type: single nucleotide variant.
Coding change: c.2914C>T on transcript NM_000287.4 (MANE Select); coding-DNA position 2914, C replaced by T.
Protein change: p.Arg972Cys; replaces arginine 972 with cysteine.
Molecular consequence: missense variant. On other transcripts: non-coding transcript variant (1).
Genome position (GRCh38, 1-based): chr6:42,964,364, G>A on the plus strand (C>T on the coding strand, the complement: PEX6 is on the minus strand). VCF-style: chr6-42964364-G-A. GRCh37 (hg19) VCF-style: chr6-42932102-G-A.
Other names: c.2650C>T, p.Arg884Cys (NM_001316313.2); short protein forms R884C, R972C.
Identifiers: ClinVar variation 1524569 (VCV001524569.3), dbSNP rs761395988, ClinGen allele CA3810864.